The following is an entry in ClinVar:

ClinVar aggregate classification (germline): Likely benign (1 of 4 stars; one submission).

gnomAD v4.1: 15 of 1,204,911 alleles (0.0012%); highest among the groups gnomAD compares: African/African-American, 0.0069%; no homozygotes.

Submission:

CeGaT Center for Human Genetics Tuebingen
Classification: Likely benign. Last evaluated: 2024-09-01. Review status: criteria provided, single submitter. Criteria: CeGaT Center For Human Genetics Tuebingen Variant Classification Criteria Version 2. Collection method: clinical testing. Allele origin: germline. Affected: yes. Observed: 1 variant allele.
Comment: AVPR2: BS2

NM_000054.7(AVPR2):c.476C>T (p.Pro159Leu)

Gene: AVPR2 (arginine vasopressin receptor 2; plus strand). Cytogenetic location: Xq28.
Variant type: single nucleotide variant.
Coding change: c.476C>T on transcript NM_000054.7 (MANE Select); coding-DNA position 476, C replaced by T.
Protein change: p.Pro159Leu; replaces proline 159 with leucine.
Molecular consequence: missense variant.
Genome position (GRCh38, 1-based): chrX:153,905,982, C>T. VCF-style: chrX-153905982-C-T. GRCh37 (hg19) VCF-style: chrX-153171436-C-T.
Other names: c.476C>T, p.Pro159Leu (NM_001146151.3); short protein forms P159L.
Identifiers: ClinVar variation 3388409 (VCV003388409.14).